The following is an entry in ClinVar:

ClinVar aggregate classification (germline): Uncertain significance (1 of 4 stars; one submission).

Conditions:
Dilated cardiomyopathy 1O (CMD1O). Also called: CARDIOMYOPATHY, DILATED, WITH VENTRICULAR TACHYCARDIA. Identifiers: Orphanet 154, MedGen C1837839, MONDO:0012062, OMIM 608569.

Allele frequency attached by ClinVar (database versions not stated): gnomAD exomes below 0.00001; TOPMed below 0.00001; ExAC 0.00001; gnomAD 0.00001.
gnomAD v4.1: 2 of 1,613,712 alleles (0.00012%); highest among the groups gnomAD compares: East Asian, 0.0022%; no homozygotes.

Submission:

Labcorp Genetics (formerly Invitae), Labcorp
Classification: Uncertain significance for Dilated cardiomyopathy 1O. Last evaluated: 2023-08-19. Review status: criteria provided, single submitter. Criteria: Invitae Variant Classification Sherloc (09022015). Collection method: clinical testing. Allele origin: germline.
Comment: This variant has not been reported in the literature in individuals affected with ABCC9-related conditions. In summary, the available evidence is currently insufficient to determine the role of this variant in disease. Therefore, it has been classified as a Variant of Uncertain Significance. Advanced modeling of protein sequence and biophysical properties (such as structural, functional, and spatial information, amino acid conservation, physicochemical variation, residue mobility, and thermodynamic stability) has been performed at Invitae for this missense variant, however the output from this modeling did not meet the statistical confidence thresholds required to predict the impact of this variant on ABCC9 protein function. The frequency data for this variant in the population databases is considered unreliable, as metrics indicate poor data quality at this position in the gnomAD database. This sequence change replaces aspartic acid, which is acidic and polar, with histidine, which is basic and polar, at codon 887 of the ABCC9 protein (p.Asp887His).

NM_020297.4(ABCC9):c.2659G>C (p.Asp887His)

Gene: ABCC9 (ATP binding cassette subfamily C member 9; minus strand). Cytogenetic location: 12p12.1.
Variant type: single nucleotide variant.
Coding change: c.2659G>C on transcript NM_020297.4 (MANE Select); coding-DNA position 2659, G replaced by C.
Protein change: p.Asp887His; replaces aspartic acid 887 with histidine.
Molecular consequence: missense variant.
Genome position (GRCh38, 1-based): chr12:21,852,207, C>G on the plus strand (G>C on the coding strand, the complement: ABCC9 is on the minus strand). VCF-style: chr12-21852207-C-G. GRCh37 (hg19) VCF-style: chr12-22005141-C-G.
Other names: c.2659G>C, p.Asp887His (NM_001377273.1, NM_005691.4); c.1792G>C, p.Asp598His (NM_001377274.1); short protein forms D887H, D598H.
Identifiers: ClinVar variation 2787522 (VCV002787522.3), dbSNP rs764622641, ClinGen allele CA6481303.
Genomic context (GRCh38, chr12:21,852,207, plus strand): 5'-AAAGCTCAACATCTTTGGTTTGAATGTCCTTCAAAGTTCCTTCTCTTAGGACACTTCCAT[C>G]TTTCATGGCTATGATCTAAGGAAAGCGGATATTCCCAGAAATGTGACGAAAAGCCTTGAT-3'
Protein context (NP_064693.2, residues 877-897): THADWIIAMK[Asp887His]GSVLREGTLK